The following is an entry in ClinVar:

ClinVar aggregate classification (germline): Uncertain significance. Review status: criteria provided, single submitter (1 of 4 stars). 3 submissions from 3 submitters: Uncertain significance (1). 2 of the submissions do not count toward it. Last evaluated 2022-08-06.

Conditions:
Nemaline myopathy 2 (NEM2). Also called: Nemaline myopathy 2, autosomal recessive. Identifiers: MedGen C1850569, MONDO:0009725, OMIM 256030.
NEB-related disorder. Also called: NEB-related condition; NEB-Related Disorders.

Allele frequency attached by ClinVar (database versions not stated): gnomAD 0.00001; gnomAD exomes 0.00001; ExAC 0.00002.
gnomAD v4.1: 6 of 1,594,124 alleles (0.00038%); highest among the groups gnomAD compares: Admixed American, 0.01%; no homozygotes.

Submissions (3):

Labcorp Genetics (formerly Invitae), Labcorp
Classification: Uncertain significance for Nemaline myopathy 2. Last evaluated: 2022-08-06. Review status: criteria provided, single submitter. Criteria: Invitae Variant Classification Sherloc (09022015). Collection method: clinical testing. Allele origin: germline.
Comment: This sequence change replaces aspartic acid, which is acidic and polar, with asparagine, which is neutral and polar, at codon 1519 of the NEB protein (p.Asp1519Asn). The frequency data for this variant in the population databases is considered unreliable, as metrics indicate poor data quality at this position in the gnomAD database. This variant has not been reported in the literature in individuals affected with NEB-related conditions. ClinVar contains an entry for this variant (Variation ID: 652503). Algorithms developed to predict the effect of missense changes on protein structure and function are either unavailable or do not agree on the potential impact of this missense change (SIFT: "Deleterious"; PolyPhen-2: "Not Available"; Align-GVGD: "Class C0"). In summary, the available evidence is currently insufficient to determine the role of this variant in disease. Therefore, it has been classified as a Variant of Uncertain Significance.

PreventionGenetics, part of Exact Sciences
Classification: Uncertain significance for NEB-related condition. Last evaluated: 2023-11-05. Review status: no assertion criteria provided. Collection method: clinical testing. Allele origin: germline. Not counted in ClinVar's aggregate classification.
Comment: The NEB c.4555G>A variant is predicted to result in the amino acid substitution p.Asp1519Asn. To our knowledge, this variant has not been reported in the literature. This variant is reported in 0.016% of alleles in individuals of Latino descent in gnomAD. At this time, the clinical significance of this variant is uncertain due to the absence of conclusive functional and genetic evidence.

Natera, Inc.
Classification: Uncertain significance for Nemaline myopathy type 2. Last evaluated: 2020-08-29. Review status: no assertion criteria provided. Collection method: clinical testing. Allele origin: germline. Not counted in ClinVar's aggregate classification.

NM_001164508.2(NEB):c.4555G>A (p.Asp1519Asn)

Gene: NEB (nebulin; minus strand). Cytogenetic location: 2q23.3.
Variant type: single nucleotide variant.
Coding change: c.4555G>A on transcript NM_001164508.2 (MANE Select); coding-DNA position 4555, G replaced by A.
Protein change: p.Asp1519Asn; replaces aspartic acid 1519 with asparagine.
Molecular consequence: missense variant.
Genome position (GRCh38, 1-based): chr2:151,669,083, C>T on the plus strand (G>A on the coding strand, the complement: NEB is on the minus strand). VCF-style: chr2-151669083-C-T. GRCh37 (hg19) VCF-style: chr2-152525597-C-T.
Other names: c.4555G>A, p.Asp1519Asn (NM_001164507.2, NM_001271208.2, NM_004543.5); short protein forms D1519N.
Identifiers: ClinVar variation 652503 (VCV000652503.9), dbSNP rs781655186, ClinGen allele CA1910589.